The following is an entry in ClinVar:

ClinVar aggregate classification (germline): Pathogenic (1 of 4 stars; one submission).

Submission:

Labcorp Genetics (formerly Invitae), Labcorp
Classification: Pathogenic. Last evaluated: 2022-01-27. Review status: criteria provided, single submitter. Criteria: Invitae Variant Classification Sherloc (09022015). Collection method: clinical testing. Allele origin: germline.
Comment: For these reasons, this variant has been classified as Pathogenic. This variant has not been reported in the literature in individuals affected with PLS3-related conditions. This variant is not present in population databases (gnomAD no frequency). This sequence change creates a premature translational stop signal (p.Ile289Valfs*33) in the PLS3 gene. It is expected to result in an absent or disrupted protein product. Loss-of-function variants in PLS3 are known to be pathogenic (PMID: 24088043, 30405713, 33166085).

Literature cited by the submitters: PubMed 24088043; PubMed 30405713; PubMed 33166085.

NM_005032.7(PLS3):c.865_866delinsG (p.Ile289fs)

Gene: PLS3 (plastin 3; plus strand). Cytogenetic location: Xq23.
Variant type: Indel.
Coding change: c.865_866delinsG on transcript NM_005032.7 (MANE Select); coding-DNA positions 865 to 866, AT replaced by G.
Protein change: p.Ile289fs; shifts the reading frame from isoleucine 289.
Molecular consequence: frameshift variant.
Genome position (GRCh38, 1-based): chrX:115,636,952-115,636,953, AT replaced by G. VCF-style: chrX-115636952-AT-G. GRCh37 (hg19) VCF-style: chrX-114871264-AT-G.
Other names: c.865_866delinsG, p.Ile289fs (NM_001136025.5); c.784_785delinsG, p.Ile262fs (NM_001172335.3); c.799_800delinsG, p.Ile267fs (NM_001282337.2); c.730_731delinsG, p.Ile244fs (NM_001282338.2); short protein forms I267fs, I262fs, I289fs, I244fs.
Identifiers: ClinVar variation 2090539 (VCV002090539.4), dbSNP rs2521471675, ClinGen allele CA2580100242.